The following is an entry in ClinVar:

NM_000276.4(OCRL):c.2259G>C (p.Glu753Asp)

Gene: OCRL (OCRL inositol polyphosphate-5-phosphatase; plus strand). Cytogenetic location: Xq26.1.
Variant type: single nucleotide variant.
Coding change: c.2259G>C on transcript NM_000276.4 (MANE Select); coding-DNA position 2259, G replaced by C.
Protein change: p.Glu753Asp; replaces glutamic acid 753 with aspartic acid.
Molecular consequence: missense variant.
Genome position (GRCh38, 1-based): chrX:129,588,181, G>C. VCF-style: chrX-129588181-G-C. GRCh37 (hg19) VCF-style: chrX-128722158-G-C.
Other names: c.2262G>C, p.Glu754Asp (NM_001318784.2); c.2235G>C, p.Glu745Asp (NM_001587.4); short protein forms E753D, E745D, E754D.
Identifiers: ClinVar variation 3701953 (VCV003701953.2).

ClinVar aggregate classification (germline): Uncertain significance (1 of 4 stars; one submission).

Conditions:
Lowe syndrome (OCRL). Also called: LOWE OCULOCEREBRORENAL SYNDROME; PHOSPHATIDYLINOSITOL 4,5-BISPHOSPHATE 5-PHOSPHATASE DEFICIENCY; Oculocerebrorenal Syndrome. Identifiers: Orphanet 534, MedGen C0028860, MONDO:0010645, OMIM 309000.

gnomAD v4.1: 2 of 1,193,622 alleles (0.00017%); no homozygotes.

Submission:

Labcorp Genetics (formerly Invitae), Labcorp
Classification: Uncertain significance for Lowe syndrome. Last evaluated: 2024-06-06. Review status: criteria provided, single submitter. Criteria: Invitae Variant Classification Sherloc (09022015). Collection method: clinical testing. Allele origin: germline.
Comment: This sequence change replaces glutamic acid, which is acidic and polar, with aspartic acid, which is acidic and polar, at codon 753 of the OCRL protein (p.Glu753Asp). This variant is not present in population databases (gnomAD no frequency). This variant has not been reported in the literature in individuals affected with OCRL-related conditions. An algorithm developed to predict the effect of missense changes on protein structure and function (PolyPhen-2) suggests that this variant is likely to be disruptive. In summary, the available evidence is currently insufficient to determine the role of this variant in disease. Therefore, it has been classified as a Variant of Uncertain Significance.